The following is an entry in ClinVar:

NM_020401.4(NUP107):c.1083+97T>C

Gene: NUP107 (nucleoporin 107; plus strand). Cytogenetic location: 12q15.
Variant type: single nucleotide variant.
Coding change: c.1083+97T>C on transcript NM_020401.4 (MANE Select); 97 bases into the intron after coding-DNA position 1083, T replaced by C.
Molecular consequence: intron variant.
Genome position (GRCh38, 1-based): chr12:68,715,837, T>C. VCF-style: chr12-68715837-T-C. GRCh37 (hg19) VCF-style: chr12-69109617-T-C.
Other names: c.996+97T>C (NM_001330192.2).
Identifiers: ClinVar variation 1243975 (VCV001243975.5), dbSNP rs2701097, ClinGen allele CA13669657.
Genomic context (GRCh38, chr12:68,715,837, plus strand): 5'-AGTCATAGACTCTTTGAGTTGGAAGAGATTTTTGTGGCTGCCTAGTAAGCCTTCTTAATG[T>C]AGTAATTCCATTCATGGTATTTCTAGATCTAACTTCCTGTTCGAACATTTCCGGTGATAA-3'

ClinVar aggregate classification (germline): Benign. Review status: criteria provided, multiple submitters, no conflicts (2 of 4 stars). 3 submissions from 3 submitters: Benign (3). Last evaluated 2024-07-15.

Allele frequency attached by ClinVar (database versions not stated): gnomAD exomes 0.30967; gnomAD 0.31525 and 0.31640; TOPMed 0.31832; 1000 Genomes Project 0.32169; 1000 Genomes Project 30x 0.32183.
gnomAD v4.1: 192,936 of 619,952 alleles (31%); highest among the groups gnomAD compares: Middle Eastern, 35%; 30,470 homozygotes.

Submissions (3):

Unidad de Genómica Garrahan, Hospital de Pediatría Garrahan
Classification: Benign. Last evaluated: 2024-07-15. Review status: criteria provided, single submitter. Criteria: ACMG Guidelines, 2015. Collection method: clinical testing. Allele origin: germline. Affected: no. Observed: 47 variant alleles.
Comment: This variant is classified as Benign based on local population frequency. This variant was detected in 51% of patients studied in a panel designed for Epileptic and Developmental Encephalopathy and Progressive Myoclonus Epilepsy. Number of patients: 47. Only high quality variants are reported.

GeneDx
Classification: Benign. Last evaluated: 2019-10-25. Review status: criteria provided, single submitter. Criteria: GeneDx Variant Classification Process June 2021. Collection method: clinical testing. Allele origin: germline. Affected: yes.

Breakthrough Genomics
Classification: Benign. Review status: criteria provided, single submitter. Criteria: ACMG Guidelines, 2015. Collection method: not provided. Allele origin: germline. Inheritance: Autosomal recessive inheritance. Affected: yes.